The following is an entry in ClinVar:

NM_007294.4(BRCA1):c.3485del (p.Asp1162fs)

Genes: BRCA1 (BRCA1 DNA repair associated; minus strand), LOC126862571 (BRD4-independent group 4 enhancer GRCh37_chr17:41243136-41244335; plus strand). Cytogenetic location: 17q21.31.
Variant type: Deletion.
Coding change: c.3485del on transcript NM_007294.4 (MANE Select); coding-DNA position 3485, one base deleted (A; older notation c.3485delA).
Protein change: p.Asp1162fs; shifts the reading frame from aspartic acid 1162.
Molecular consequence: frameshift variant. On other transcripts: intron variant (135).
Genome position (GRCh38, 1-based): chr17:43,092,046, T deleted on the plus strand (A on the coding strand, the reverse complement: BRCA1 is on the minus strand). VCF-style (leftmost placement, unchanged base first): chr17-43092045-AT-A. GRCh37 (hg19) VCF-style: chr17-41244062-AT-A.
Other names: 3604delA; c.3149del, p.Asp1050fs (NM_001407956.1, NM_001407958.1, NM_001407954.1 and 1 more transcripts); c.3152del, p.Asp1051fs (NM_001407957.1, NM_001407946.1, NM_001407947.1 and 6 more transcripts); c.3104del, p.Asp1035fs (NM_001407959.1, NM_001407960.1, NM_001407963.1); c.3101del, p.Asp1034fs (NM_001407962.1); c.3341del, p.Asp1114fs (NM_001407964.1, NM_001407740.1, NM_001407741.1 and 20 more transcripts); c.2981del, p.Asp994fs (NM_001407965.1); c.2597del, p.Asp866fs (NM_001407966.1, NM_001407967.1); and 42 more; short protein forms D1115fs, D1162fs, D1092fs, D1095fs, D1114fs, D1120fs, D1121fs, D1135fs.
Identifiers: ClinVar variation 37531 (VCV000037531.109), dbSNP rs80357509, ClinGen allele CA002247.
Genomic context (GRCh38, chr17:43,092,045, plus strand): 5'-CTGGACGCTTTTGCTAAAAACAGCAGAACTTTCCTTAATGTCATTTTCAGCAAAACTAGT[AT>A]CTTCCTTTATTTCACCATCATCTAACAGGTCATCAGGTGTCTCAGAACAAACCTGAGATG-3'

ClinVar aggregate classification (germline): Pathogenic. Review status: reviewed by expert panel (3 of 4 stars). 27 submissions from 27 submitters: Pathogenic (1). 26 of the submissions do not count toward it. Last evaluated 2016-09-08.

Conditions:
Hereditary cancer-predisposing syndrome. Also called: Neoplastic Syndromes, Hereditary; Tumor predisposition; Hereditary Cancer Syndrome; Hereditary neoplastic syndrome. Identifiers: Orphanet 140162, MedGen C0027672, MeSH D009386, MONDO:0015356.
Hereditary breast ovarian cancer syndrome. Also called: Hereditary breast and ovarian cancer; Breast and ovarian cancer; Hereditary breast and/or ovarian cancer syndrome; Hereditary breast and ovarian cancer syndrome (HBOC); Hereditary breast and ovarian cancer syndrome; BRCA1- and BRCA2-Associated Hereditary Breast and Ovarian Cancer. Identifiers: Orphanet 145, MedGen C0677776, MeSH D061325, MONDO:0003582. Disease mechanism: loss of function.
Breast-ovarian cancer, familial, susceptibility to, 1 (BROVCA1). Also called: OVARIAN CANCER, SUSCEPTIBILITY TO; BRCA1 Hereditary Breast and Ovarian Cancer. Identifiers: Orphanet 145, MedGen C2676676, MONDO:0011450, OMIM 604370. Disease mechanism: loss of function.
Familial cancer of breast. Also called: BREAST CANCER, FAMILIAL; Hereditary breast cancer; hereditary breast carcinoma. Identifiers: Orphanet 227535, MedGen C0346153, MONDO:0016419, OMIM 114480. Disease mechanism: loss of function.

Allele frequency attached by ClinVar (database versions not stated): gnomAD exomes below 0.00001; TOPMed below 0.00001; gnomAD 0.00001.

Submissions 1 to 10 of 27:

Evidence-based Network for the Interpretation of Germline Mutant Alleles (ENIGMA)
Classification: Pathogenic for Breast-ovarian cancer, familial, susceptibility to, 1. Last evaluated: 2016-09-08. Review status: reviewed by expert panel. Criteria: ENIGMA BRCA1/2 Classification Criteria (2015). Collection method: curation. Allele origin: germline.
Comment: Variant allele predicted to encode a truncated non-functional protein.

Labcorp Genetics (formerly Invitae), Labcorp
Classification: Pathogenic for Hereditary breast ovarian cancer syndrome. Last evaluated: 2025-11-18. Review status: criteria provided, single submitter. Criteria: Invitae Variant Classification Sherloc (09022015). Collection method: clinical testing. Allele origin: germline. Not counted in ClinVar's aggregate classification.
Comment: This sequence change creates a premature translational stop signal (p.Asp1162Valfs*48) in the BRCA1 gene. It is expected to result in an absent or disrupted protein product. Loss-of-function variants in BRCA1 are known to be pathogenic (PMID: 20104584). This variant is present in population databases (rs80357509, gnomAD 0.0009%). This premature translational stop signal has been observed in individual(s) with breast and/or ovarian cancer (PMID: 9150151, 16683254, 24010542, 25452441, 26681312). This variant is also known as 3604delA, c.3625delA, and 3741delA. ClinVar contains an entry for this variant (Variation ID: 37531). For these reasons, this variant has been classified as Pathogenic.

Color Diagnostics, LLC DBA Color Health
Classification: Pathogenic for Hereditary cancer-predisposing syndrome. Last evaluated: 2025-10-06. Review status: criteria provided, single submitter. Criteria: ACMG Guidelines, 2015. Collection method: clinical testing. Allele origin: germline. Not counted in ClinVar's aggregate classification.
Comment: This variant deletes 1 nucleotide in exon 10 of the BRCA1 gene, creating a frameshift and premature translation stop signal. This variant is expected to result in an absent or non-functional protein product. This variant has been reported in multiple individuals and families affected with breast and/or ovarian cancer (PMID: 9150151, 9361038, 9667259, 10995809, 16683254, 24285858, 25452441, 26681312, 28324225, 30322717, 30927251), and it also has been identified in 81 families among the CIMBA participants (PMID: 29446198). This variant has been detected in a breast cancer case-control meta-analysis in 5/60466 cases and 0/53461 unaffected individuals (PMID: 33471991Leiden Open Variation Database DB-ID BRCA1_001222). Multifactorial analysis on clinical data has reached a combined likelihood ratio (LR) of 10.269 from published LR for 1 carrier (PMID: 31853058). This variant has been identified in 1/251278 chromosomes in the general population by the Genome Aggregation Database (gnomAD). Loss of BRCA1 function is a known mechanism of disease. Based on the available evidence, this variant is classified as Pathogenic.

CeGaT Center for Human Genetics Tuebingen
Classification: Pathogenic. Last evaluated: 2025-08-01. Review status: criteria provided, single submitter. Criteria: CeGaT Center For Human Genetics Tuebingen Variant Classification Criteria Version 2. Collection method: clinical testing. Allele origin: germline. Affected: yes. Observed: 2 variant alleles. Not counted in ClinVar's aggregate classification.
Comment: BRCA1: PVS1, PS4:Moderate, PP1

Institute of Human Genetics, University of Leipzig Medical Center
Classification: Pathogenic for Breast-ovarian cancer, familial, susceptibility to, 1. Last evaluated: 2025-03-04. Review status: criteria provided, single submitter. Criteria: ACMG Guidelines, 2015. Collection method: clinical testing. Allele origin: unknown. Inheritance: Autosomal dominant inheritance. Affected: yes. Not counted in ClinVar's aggregate classification.
Comment: Criteria applied: PVS1,PM5_STR

Ambry Genetics
Classification: Pathogenic for Hereditary cancer-predisposing syndrome. Last evaluated: 2024-12-31. Review status: criteria provided, single submitter. Criteria: Ambry Variant Classification Scheme 2023. Collection method: clinical testing. Allele origin: germline. Not counted in ClinVar's aggregate classification.
Comment: The c.3485delA pathogenic mutation, located in coding exon 9 of the BRCA1 gene, results from a deletion of one nucleotide at nucleotide position 3485, causing a translational frameshift with a predicted alternate stop codon (p.D1162Vfs*48). This mutation has been reported in multiple hereditary breast and ovarian cancer (HBOC) families (Peelen T et al. Am. J. Hum. Genet., 1997 May;60:1041-9; Vehmanen P et al. Hum. Mol. Genet., 1997 Dec;6:2309-15; Frank TS et al. J. Clin. Oncol., 1998 Jul;16:2417-25; Ligtenberg MJ et al. Br. J. Cancer, 1999 Mar;79:1475-8; Sarantaus L et al. Eur. J. Hum. Genet., 2001 Jun;9:424-30; Verhoog LC et al. Eur. J. Cancer, 2001 Nov;37:2082-90; Meindl A et al. Int. J. Cancer, 2002 Feb;97:472-80; Meisel C et al. Arch. Gynecol. Obstet., 2017 May;295:1227-1238; Carter NJ et al. Gynecol Oncol, 2018 12;151:481-488; Nurmi A et al. Int J Cancer, 2019 11;145:2692-2700; Moradian MM et al. Hum Genome Var, 2021 Feb;8:9; Dorling et al. N Engl J Med. 2021 02;384:428-439). Of note, this alteration is also designated as 3604delA in published literature. In addition to the clinical data presented in the literature, this alteration is expected to result in loss of function by premature protein truncation or nonsense-mediated mRNA decay. As such, this alteration is interpreted as a disease-causing mutation.

Department of Clinical Genetics, Copenhagen University Hospital, Rigshospitalet
Classification: Pathogenic for Breast-ovarian cancer, familial, susceptibility to, 1. Last evaluated: 2024-05-27. Review status: criteria provided, single submitter. Criteria: ACMG Guidelines, 2015. Collection method: clinical testing. Allele origin: germline. Affected: yes. Not counted in ClinVar's aggregate classification.
Comment: PVS1; PM5_PTC_Strong

Unidad Asesoramiento Genetico Oncologico Falp, Instituto Oncologico Fundacion Arturo Lopez Perez
Classification: Pathogenic for Breast-ovarian cancer, familial, susceptibility to, 1. Last evaluated: 2023-08-01. Review status: criteria provided, single submitter. Criteria: ACMG Guidelines, 2015. Collection method: clinical testing. Allele origin: unknown. Affected: yes. Not counted in ClinVar's aggregate classification.

GeneDx
Classification: Pathogenic. Last evaluated: 2023-03-07. Review status: criteria provided, single submitter. Criteria: GeneDx Variant Classification Process June 2021. Collection method: clinical testing. Allele origin: germline. Affected: yes. Not counted in ClinVar's aggregate classification.
Comment: Frameshift variant predicted to result in protein truncation or nonsense mediated decay in a gene for which loss-of-function is a known mechanism of disease; Observed in hereditary breast and ovarian cancer families, and is a common variant in Finnish and Dutch populations (Peelen et al., 1997; Vehmanen et al., 1997; Syrjakoski et al., 2000; Janavicius et al., 2010; Brohet et al., 2014); Not observed at significant frequency in large population cohorts (gnomAD); Truncating variants in this gene are considered pathogenic by a well-established clinical consortium and/or database; Also known as 3604delA; This variant is associated with the following publications: (PMID: 23199084, 16683254, 30927251, 29922827, 28888541, 9667259, 24285858, 26681312, 9361038, 10995809, 25452441, 28324225, 11773283, 30720243, 30322717, 9150151, 11597388, 33558524, 24010542, 34697415)

Revvity Omics, Revvity
Classification: Pathogenic. Last evaluated: 2022-12-02. Review status: criteria provided, single submitter. Criteria: ACMG Guidelines, 2015. Collection method: clinical testing. Allele origin: germline. Not counted in ClinVar's aggregate classification.